The following is an entry in ClinVar:

NM_002691.4(POLD1):c.386G>C (p.Gly129Ala)

Gene: POLD1 (DNA polymerase delta 1, catalytic subunit; plus strand). Cytogenetic location: 19q13.33.
Variant type: single nucleotide variant.
Coding change: c.386G>C on transcript NM_002691.4 (MANE Select); coding-DNA position 386, G replaced by C.
Protein change: p.Gly129Ala; replaces glycine 129 with alanine.
Molecular consequence: missense variant. On other transcripts: non-coding transcript variant (1).
Genome position (GRCh38, 1-based): chr19:50,401,847, G>C. VCF-style: chr19-50401847-G-C. GRCh37 (hg19) VCF-style: chr19-50905104-G-C.
Other names: c.386G>C, p.Gly129Ala (NM_001256849.1, NM_001308632.1); c.386G>C (NM_002691.2, NM_002691.3); short protein forms G129A.
Identifiers: ClinVar variation 1034550 (VCV001034550.13), dbSNP rs766133047, ClinGen allele CA9595718.

ClinVar aggregate classification (germline): Uncertain significance. Review status: criteria provided, multiple submitters, no conflicts (2 of 4 stars). 3 submissions from 3 submitters: Uncertain significance (3). Last evaluated 2025-10-03.

Conditions:
POLD1-related polyposis and colorectal cancer syndrome (CRCS10). Also called: Colorectal cancer 10; COLORECTAL CANCER, SUSCEPTIBILITY TO, ON CHROMOSOME 19q; Colorectal cancer, susceptibility to, 10. Identifiers: Orphanet 220460, MedGen C2675481, MONDO:0012953, OMIM 612591.
Hereditary cancer-predisposing syndrome. Also called: Tumor predisposition; Hereditary Cancer Syndrome; Hereditary neoplastic syndrome; Neoplastic Syndromes, Hereditary. Identifiers: Orphanet 140162, MedGen C0027672, MeSH D009386, MONDO:0015356.

Allele frequency attached by ClinVar (database versions not stated): gnomAD exomes 0.00001 and 0.00002; ExAC 0.00002.

Submissions (3):

Ambry Genetics
Classification: Uncertain significance for Hereditary cancer-predisposing syndrome. Last evaluated: 2025-10-03. Review status: criteria provided, single submitter. Criteria: Ambry Variant Classification Scheme 2023. Collection method: clinical testing. Allele origin: germline.
Comment: The p.G129A variant (also known as c.386G>C), located in coding exon 3 of the POLD1 gene, results from a G to C substitution at nucleotide position 386. The glycine at codon 129 is replaced by alanine, an amino acid with similar properties. This amino acid position is conserved. In addition, the in silico prediction for this alteration is inconclusive. Since supporting evidence is limited at this time, the clinical significance of this alteration remains unclear.

Labcorp Genetics (formerly Invitae), Labcorp
Classification: Uncertain significance for POLD1-related polyposis and colorectal cancer syndrome. Last evaluated: 2025-05-23. Review status: criteria provided, single submitter. Criteria: Invitae Variant Classification Sherloc (09022015). Collection method: clinical testing. Allele origin: germline.
Comment: This sequence change replaces glycine, which is neutral and non-polar, with alanine, which is neutral and non-polar, at codon 129 of the POLD1 protein (p.Gly129Ala). This variant is present in population databases (rs766133047, gnomAD 0.01%). This variant has not been reported in the literature in individuals affected with POLD1-related conditions. ClinVar contains an entry for this variant (Variation ID: 1034550). Invitae Evidence Modeling of protein sequence and biophysical properties (such as structural, functional, and spatial information, amino acid conservation, physicochemical variation, residue mobility, and thermodynamic stability) indicates that this missense variant is expected to disrupt POLD1 protein function with a positive predictive value of 80%. In summary, the available evidence is currently insufficient to determine the role of this variant in disease. Therefore, it has been classified as a Variant of Uncertain Significance.

GeneDx
Classification: Uncertain significance. Last evaluated: 2023-12-19. Review status: criteria provided, single submitter. Criteria: GeneDx Variant Classification Process June 2021. Collection method: clinical testing. Allele origin: germline. Affected: yes.
Comment: Not observed at significant frequency in large population cohorts (gnomAD); In silico analysis supports that this missense variant has a deleterious effect on protein structure/function; Has not been previously published as pathogenic or benign to our knowledge